The following is an entry in ClinVar:

ClinVar aggregate classification (germline): Benign/Likely benign. Review status: criteria provided, multiple submitters, no conflicts (2 of 4 stars). 3 submissions from 3 submitters: Benign (1); Likely benign (1). 1 of the submissions does not count toward it. Last evaluated 2024-02-27.

Conditions:
RNF213-related disorder. Also called: RNF213-related condition.

Allele frequency attached by ClinVar (database versions not stated): gnomAD exomes 0.00025; ExAC 0.00027; 1000 Genomes Project 0.00040; 1000 Genomes Project 30x 0.00047; gnomAD 0.00091 and 0.00104; TOPMed 0.00114; ESP Exome Variant Server 0.00131.
gnomAD v4.1: 302 of 1,614,164 alleles (0.019%); highest among the groups gnomAD compares: African/African-American, 0.33%; no homozygotes.

Submissions (3):

Blueprint Genetics
Classification: Likely benign. Last evaluated: 2024-02-27. Review status: criteria provided, single submitter. Criteria: ACMG Guidelines, 2015. Collection method: clinical testing. Allele origin: germline.

Labcorp Genetics (formerly Invitae), Labcorp
Classification: Benign. Last evaluated: 2019-12-31. Review status: criteria provided, single submitter. Criteria: Invitae Variant Classification Sherloc (09022015). Collection method: clinical testing. Allele origin: germline.

PreventionGenetics, part of Exact Sciences
Classification: Likely benign for RNF213-related condition. Last evaluated: 2020-10-06. Review status: no assertion criteria provided. Collection method: clinical testing. Allele origin: germline. Not counted in ClinVar's aggregate classification.
Comment: This variant is classified as likely benign based on ACMG/AMP sequence variant interpretation guidelines (Richards et al. 2015 PMID: 25741868, with internal and published modifications).

NM_001256071.3(RNF213):c.7356C>T (p.His2452=)

Gene: RNF213 (ring finger protein 213; plus strand). Cytogenetic location: 17q25.3.
Variant type: single nucleotide variant.
Coding change: c.7356C>T on transcript NM_001256071.3 (MANE Select); coding-DNA position 7356, C replaced by T.
Protein change: p.His2452=; no amino-acid change (histidine 2452 retained).
Molecular consequence: synonymous variant.
Genome position (GRCh38, 1-based): chr17:80,345,691, C>T. VCF-style: chr17-80345691-C-T. GRCh37 (hg19) VCF-style: chr17-78319491-C-T.
Identifiers: ClinVar variation 730274 (VCV000730274.7), dbSNP rs138032722, ClinGen allele CA8820732.